The following is an entry in ClinVar:

ClinVar aggregate classification (germline): Likely benign (1 of 4 stars; one submission).

Submission:

CeGaT Center for Human Genetics Tuebingen
Classification: Likely benign. Last evaluated: 2026-01-01. Review status: criteria provided, single submitter. Criteria: CeGaT Center For Human Genetics Tuebingen Variant Classification Criteria Version 2. Collection method: clinical testing. Allele origin: germline. Affected: yes. Observed: 1 variant allele.
Comment: RELN: PM2:Supporting, BP4, BP7

NM_005045.4(RELN):c.2757A>G (p.Ser919=)

Gene: RELN (reelin; minus strand). Cytogenetic location: 7q22.1.
Variant type: single nucleotide variant.
Coding change: c.2757A>G on transcript NM_005045.4 (MANE Select); coding-DNA position 2757, A replaced by G.
Protein change: p.Ser919=; no amino-acid change (serine 919 retained).
Molecular consequence: synonymous variant.
Genome position (GRCh38, 1-based): chr7:103,611,749, T>C on the plus strand (A>G on the coding strand, the complement: RELN is on the minus strand). VCF-style: chr7-103611749-T-C. GRCh37 (hg19) VCF-style: chr7-103252196-T-C.
Other names: c.2757A>G, p.Ser919= (NM_173054.3).
Identifiers: ClinVar variation 4823144 (VCV004823144.4).